The following is an entry in ClinVar:

ClinVar aggregate classification (germline): Uncertain significance (1 of 4 stars; one submission).

Allele frequency attached by ClinVar (database versions not stated): gnomAD 0.00012; 1000 Genomes Project 30x 0.00016; ESP Exome Variant Server 0.00015; 1000 Genomes Project 0.00020; ExAC 0.00006.
gnomAD v4.1: 208 of 1,614,086 alleles (0.013%); highest among the groups gnomAD compares: Non-Finnish European, 0.016%; no homozygotes.

Submission:

Ambry Genetics
Classification: Uncertain significance. Last evaluated: 2026-08-23. Review status: criteria provided, single submitter. Criteria: Ambry Variant Classification Scheme 2023. Collection method: clinical testing. Allele origin: germline.
Comment: The c.2638C>T (p.P880S) alteration is located in exon 21 (coding exon 21) of the ADCY4 gene. This alteration results from a C to T substitution at nucleotide position 2638, causing the proline (P) at amino acid position 880 to be replaced by a serine (S). Based on data from gnomAD, the T allele has an overall frequency of 0.011% (27/251414) total alleles studied. The highest observed frequency was 0.019% (22/113732) of European (non-Finnish) alleles. Based on insufficient or conflicting evidence, the clinical significance of this alteration remains unclear.

NM_001198568.2(ADCY4):c.2638C>T (p.Pro880Ser)

Gene: ADCY4 (adenylate cyclase 4; minus strand). Cytogenetic location: 14q12.
Variant type: single nucleotide variant.
Coding change: c.2638C>T on transcript NM_001198568.2 (MANE Select); coding-DNA position 2638, C replaced by T.
Protein change: p.Pro880Ser; replaces proline 880 with serine.
Molecular consequence: missense variant.
Genome position (GRCh38, 1-based): chr14:24,319,837, G>A on the plus strand (C>T on the coding strand, the complement: ADCY4 is on the minus strand). VCF-style: chr14-24319837-G-A. GRCh37 (hg19) VCF-style: chr14-24789043-G-A.
Other names: c.2638C>T, p.Pro880Ser (NM_001198592.2, NM_139247.4); short protein forms P880S.
Identifiers: ClinVar variation 2589745 (VCV002589745.3), dbSNP rs78704784, ClinGen allele CA7134141.
Genomic context (GRCh38, chr14:24,319,837, plus strand): 5'-TCAGACACTCTAGGCCCTCATGATTGATGTTGGATTCAGAGTAGAACTCCTTGAAGTCTG[G>A]GACTGAGGCGAAGAGGACACAAACGCATTCATAGGACTGGTGGTAGAGATCCTGGGGGAA-3'
Protein context (NP_001185497.1, residues 870-890): ECVCVLFASV[Pro880Ser]DFKEFYSESN